The following is an entry in ClinVar:

NM_000722.4(CACNA2D1):c.2867C>A (p.Ser956Tyr)

Gene: CACNA2D1 (calcium voltage-gated channel auxiliary subunit alpha2delta 1; minus strand). Cytogenetic location: 7q21.11.
Variant type: single nucleotide variant.
Coding change: c.2867C>A on transcript NM_000722.4 (MANE Select); coding-DNA position 2867, C replaced by A.
Protein change: p.Ser956Tyr; replaces serine 956 with tyrosine.
Molecular consequence: missense variant.
Genome position (GRCh38, 1-based): chr7:81,961,993, G>T on the plus strand (C>A on the coding strand, the complement: CACNA2D1 is on the minus strand). VCF-style: chr7-81961993-G-T. GRCh37 (hg19) VCF-style: chr7-81591309-G-T.
Other names: c.2867C>A (LRG_437t1); c.2903C>A, p.Ser968Tyr (NM_001366867.1); short protein forms S956Y, S968Y.
Identifiers: ClinVar variation 519525 (VCV000519525.8), dbSNP rs768081623, ClinGen allele CA4317450.

ClinVar aggregate classification (germline): Uncertain significance. Review status: criteria provided, multiple submitters, no conflicts (2 of 4 stars). 2 submissions from 2 submitters: Uncertain significance (2). Last evaluated 2023-02-16.

Conditions:
Cardiovascular phenotype. Identifiers: MedGen CN230736.
Brugada syndrome. Also called: Sudden unexplained nocturnal death syndrome; Sudden Unexplained Death Syndrome; Sudden Unexplained Nocturnal Death Syndrome (SUNDS); Sudden unexpected nocturnal death syndrome. Identifiers: Orphanet 130, MedGen C1142166, MONDO:0015263.

Allele frequency attached by ClinVar (database versions not stated): TOPMed below 0.00001; ExAC 0.00001; gnomAD 0.00001; gnomAD exomes 0.00001 and 0.00002.
gnomAD v4.1: 36 of 1,612,510 alleles (0.0022%); highest among the groups gnomAD compares: Non-Finnish European, 0.0029%; no homozygotes.

Submissions (2):

Labcorp Genetics (formerly Invitae), Labcorp
Classification: Uncertain significance for Brugada syndrome. Last evaluated: 2023-02-16. Review status: criteria provided, single submitter. Criteria: Invitae Variant Classification Sherloc (09022015). Collection method: clinical testing. Allele origin: germline.
Comment: In summary, the available evidence is currently insufficient to determine the role of this variant in disease. Therefore, it has been classified as a Variant of Uncertain Significance. Studies have shown that this missense change does not significantly alter or has an unclear effect on CACNA2D1 gene expression (PMID: 25527503). An algorithm developed to predict the effect of missense changes on protein structure and function (PolyPhen-2) suggests that this variant is likely to be tolerated. ClinVar contains an entry for this variant (Variation ID: 519525). This missense change has been observed in individual(s) with clinical features of CACNA2D1-related conditions (PMID: 20817017). This variant is present in population databases (rs768081623, gnomAD 0.003%). This sequence change replaces serine, which is neutral and polar, with tyrosine, which is neutral and polar, at codon 956 of the CACNA2D1 protein (p.Ser956Tyr).

Ambry Genetics
Classification: Uncertain significance for Cardiovascular phenotype. Last evaluated: 2018-09-13. Review status: criteria provided, single submitter. Criteria: Ambry Variant Classification Scheme 2023. Collection method: clinical testing. Allele origin: germline.
Comment: The p.S956Y variant (also known as c.2867C>A), located in coding exon 36 of the CACNA2D1 gene, results from a C to A substitution at nucleotide position 2867. The serine at codon 956 is replaced by tyrosine, an amino acid with dissimilar properties. This alteration, described as c.2867C>A but p.S956T, was reported in an individual with early repolarization syndrome (Burashnikov E et al. Heart Rhythm, 2010 Dec;7:1872-82). Later in vitro studies suggested that this alteration did not affect protein expression or Cav1.2 channel function in the tested experimental system (Bourdin B et al. J. Biol. Chem., 2015 Jan;290:2854-69). This amino acid position is not well conserved in available vertebrate species. In addition, the in silico prediction for this alteration is inconclusive. Since supporting evidence is limited at this time, the clinical significance of this alteration remains unclear.

Literature cited by the submitters: PubMed 25527503 (cited by Labcorp Genetics (formerly Invitae), Labcorp and Ambry Genetics); PubMed 20817017 (cited by Labcorp Genetics (formerly Invitae), Labcorp and Ambry Genetics).